The following is an entry in ClinVar:

ClinVar aggregate classification (germline): Likely benign. Review status: criteria provided, single submitter (1 of 4 stars). 2 submissions from 2 submitters: Likely benign (1). 1 of the submissions does not count toward it. Last evaluated 2025-04-09.

Conditions:
NRAP-related disorder. Also called: NRAP-related condition.

Allele frequency attached by ClinVar (database versions not stated): gnomAD exomes 0.03190; ExAC 0.02586; 1000 Genomes Project 0.01637; TOPMed 0.02163; ESP Exome Variant Server 0.02437; 1000 Genomes Project 30x 0.01640; gnomAD 0.02360.
gnomAD v4.1: 50,111 of 1,613,936 alleles (3.1%); highest among the groups gnomAD compares: Non-Finnish European, 3.5%; 961 homozygotes.

Submissions (3):

Molecular Diagnostic Laboratory for Inherited Cardiovascular Disease, Montreal Heart Institute
Classification: Likely benign. Last evaluated: 2025-04-09. Review status: criteria provided, single submitter. Criteria: ACMG Guidelines, 2015. Collection method: clinical testing. Allele origin: germline. Affected: no.

PreventionGenetics, part of Exact Sciences
Classification: Benign for NRAP-related condition. Last evaluated: 2019-04-25. Review status: no assertion criteria provided. Collection method: clinical testing. Allele origin: germline. Not counted in ClinVar's aggregate classification.
Comment: This variant is classified as benign based on ACMG/AMP sequence variant interpretation guidelines (Richards et al. 2015 PMID: 25741868, with internal and published modifications).

Dr. Peter K. Rogan Lab, Western University
No classification provided (evidence only). Condition: Hepatocellular carcinoma. Review status: no classification provided. Collection method: in vitro. Allele origin: not applicable. Functional consequence: retained intron. Not counted in ClinVar's aggregate classification.

NM_198060.4(NRAP):c.3335C>T (p.Ala1112Val)

Gene: NRAP (nebulin related anchoring protein; minus strand). Cytogenetic location: 10q25.3.
Variant type: single nucleotide variant.
Coding change: c.3335C>T on transcript NM_198060.4 (MANE Select); coding-DNA position 3335, C replaced by T.
Protein change: p.Ala1112Val; replaces alanine 1112 with valine.
Molecular consequence: missense variant.
Genome position (GRCh38, 1-based): chr10:113,612,397, G>A on the plus strand (C>T on the coding strand, the complement: NRAP is on the minus strand). VCF-style: chr10-113612397-G-A. GRCh37 (hg19) VCF-style: chr10-115372156-G-A.
Other names: NC_000010.10:g.115372156G>A; c.3335C>T, p.Ala1112Val (NM_001261463.2); c.3227C>T, p.Ala1076Val (NM_001322945.2); c.3230C>T, p.Ala1077Val (NM_006175.5); short protein forms A1076V, A1077V, A1112V.
Identifiers: ClinVar variation 3055247 (VCV003055247.4), dbSNP rs1539587, ClinGen allele CA5694807.